The following is an entry in ClinVar:

NM_001267550.2(TTN):c.60121CAA[1] (p.Gln20042del)

Genes: TTN (titin; minus strand), TTN-AS1 (TTN antisense RNA 1; plus strand), LOC126806424 (CDK7 strongly-dependent group 2 enhancer GRCh37_chr2:179456337-179457536; plus strand). Cytogenetic location: 2q31.2.
Variant type: Microsatellite.
Coding change: c.60121CAA[1] on transcript NM_001267550.2 (MANE Select); one copy of the 3-base unit CAA starting at c.60121; the reference has two copies in a row; one copy, 3 bases deleted; also written c.60124_60126del.
Protein change: p.Gln20042del; deletes glutamine 20042.
Molecular consequence: inframe deletion.
Genome position (GRCh38, 1-based): chr2:178,591,693-178,591,695, TTG deleted on the plus strand (CAA on the coding strand, the reverse complement: TTN is on the minus strand); deleting any 3 consecutive bases within chr2:178,591,693-178,591,699 gives the same sequence; the position shown is the placement nearest the transcript's 3' end. VCF-style (leftmost placement, unchanged base first): chr2-178591692-CTTG-C. GRCh37 (hg19) VCF-style: chr2-179456419-CTTG-C.
Other names: c.52420_52422delCAA (NM_133378.4); c.60124_60126delCAA (NM_001267550.2); c.60124_60126del (NM_001267550.2); c.55198CAA[1], p.Gln18401del (NM_001256850.1); c.32926CAA[1], p.Gln10977del (NM_003319.4); c.52417CAA[1], p.Gln17474del (NM_133378.4); c.33301CAA[1], p.Gln11102del (NM_133432.3); c.33502CAA[1], p.Gln11169del (NM_133437.4); and 1 more; short protein forms Q20042del, Q11102del, Q18401del, Q10977del, Q11169del, Q17474del.
Identifiers: ClinVar variation 467332 (VCV000467332.8), dbSNP rs761360903, ClinGen allele CA1992552.

ClinVar aggregate classification (germline): Uncertain significance. Review status: criteria provided, multiple submitters, no conflicts (2 of 4 stars). 4 submissions from 4 submitters: Uncertain significance (4). Last evaluated 2025-04-09.

Conditions:
Cardiovascular phenotype. Identifiers: MedGen CN230736.
Autosomal recessive limb-girdle muscular dystrophy type 2J (LGMDR10). Also called: Limb-girdle muscular dystrophy, type 2J; MUSCULAR DYSTROPHY, LIMB-GIRDLE, AUTOSOMAL RECESSIVE 10. Identifiers: Orphanet 140922, MedGen C1837342, MONDO:0012127, OMIM 608807.
Dilated cardiomyopathy 1G (CMD1G). Identifiers: Orphanet 154, MedGen C1858763, MONDO:0011400, OMIM 604145.

Submissions (4):

Molecular Diagnostic Laboratory for Inherited Cardiovascular Disease, Montreal Heart Institute
Classification: Uncertain significance for Cardiovascular phenotype. Last evaluated: 2025-04-09. Review status: criteria provided, single submitter. Criteria: ACMG Guidelines, 2015. Collection method: clinical testing. Allele origin: germline. Affected: yes.

Women's Health and Genetics/Laboratory Corporation of America, LabCorp
Classification: Uncertain significance. Last evaluated: 2022-08-06. Review status: criteria provided, single submitter. Criteria: LabCorp Variant Classification Summary - May 2015. Collection method: clinical testing. Allele origin: germline.
Comment: Variant summary: TTN c.52420_52422delCAA (p.Gln17474del) results in an in-frame deletion that is predicted to remove one amino acid from the encoded protein. The variant allele was found at a frequency of 1.2e-05 in 248666 control chromosomes (gnomAD). The available data on variant occurrences in the general population are insufficient to allow any conclusion about variant significance. To our knowledge, no occurrence of c.52420_52422delCAA in individuals affected with Dilated Cardiomyopathy and no experimental evidence demonstrating its impact on protein function have been reported. One clinical diagnostic laboratory has submitted clinical-significance assessments for this variant to ClinVar after 2014 and classified the variant as uncertain significance. Based on the evidence outlined above, the variant was classified as uncertain significance.

Revvity Omics, Revvity
Classification: Uncertain significance. Last evaluated: 2019-07-08. Review status: criteria provided, single submitter. Criteria: ACMG Guidelines, 2015. Collection method: clinical testing. Allele origin: germline.

Labcorp Genetics (formerly Invitae), Labcorp
Classification: Uncertain significance for Dilated cardiomyopathy 1G; Autosomal recessive limb-girdle muscular dystrophy type 2J. Last evaluated: 2017-06-15. Review status: criteria provided, single submitter. Criteria: Invitae Variant Classification Sherloc (09022015). Collection method: clinical testing. Allele origin: germline.